The following is an entry in ClinVar:

NM_000245.4(MET):c.2231T>C (p.Val744Ala)

Gene: MET (MET proto-oncogene, receptor tyrosine kinase; plus strand). Cytogenetic location: 7q31.2.
Variant type: single nucleotide variant.
Coding change: c.2231T>C on transcript NM_000245.4 (MANE Select); coding-DNA position 2231, T replaced by C.
Protein change: p.Val744Ala; replaces valine 744 with alanine.
Molecular consequence: missense variant.
Genome position (GRCh38, 1-based): chr7:116,758,587, T>C. VCF-style: chr7-116758587-T-C. GRCh37 (hg19) VCF-style: chr7-116398641-T-C.
Other names: c.2231T>C, p.Val744Ala (NM_001127500.3, NM_001324401.3); c.941T>C, p.Val314Ala (NM_001324402.2); c.2231T>C (NM_000245.2); short protein forms V314A, V744A.
Identifiers: ClinVar variation 2123726 (VCV002123726.5), dbSNP rs2116932399, ClinGen allele CA368980809.
Genomic context (GRCh38, chr7:116,758,587, plus strand): 5'-TGAAAATTGACTTAGCCAACCGAGAGACAAGCATCTTCAGTTACCGTGAAGATCCCATTG[T>C]CTATGAAATTCATCCAACCAAATCTTTTATTAGGTAAGTAGAAGCTTCTGATGGGTATAA-3'
Protein context (NP_000236.2, residues 734-754): SIFSYREDPI[Val744Ala]YEIHPTKSFI

ClinVar aggregate classification (germline): Uncertain significance. Review status: criteria provided, multiple submitters, no conflicts (2 of 4 stars). 2 submissions from 2 submitters: Uncertain significance (2). Last evaluated 2026-07-07.

Conditions:
Renal cell carcinoma. Identifiers: Orphanet 217071, MedGen C0007134, MeSH D002292, MONDO:0005086, HP:0005584.
Hereditary cancer-predisposing syndrome. Also called: Tumor predisposition; Hereditary Cancer Syndrome; Hereditary neoplastic syndrome; Neoplastic Syndromes, Hereditary. Identifiers: Orphanet 140162, MedGen C0027672, MeSH D009386, MONDO:0015356.

Submissions (2):

Ambry Genetics
Classification: Uncertain significance for Hereditary cancer-predisposing syndrome. Last evaluated: 2026-07-07. Review status: criteria provided, single submitter. Criteria: Ambry Variant Classification Scheme 2023. Collection method: clinical testing. Allele origin: germline.
Comment: The p.V744A variant (also known as c.2231T>C), located in coding exon 8 of the MET gene, results from a T to C substitution at nucleotide position 2231. The valine at codon 744 is replaced by alanine, an amino acid with similar properties. This amino acid position is conserved. In addition, the in silico prediction for this alteration is inconclusive. Based on the available evidence, the clinical significance of this variant remains unclear.

Labcorp Genetics (formerly Invitae), Labcorp
Classification: Uncertain significance for Renal cell carcinoma. Last evaluated: 2023-02-22. Review status: criteria provided, single submitter. Criteria: Invitae Variant Classification Sherloc (09022015). Collection method: clinical testing. Allele origin: germline.
Comment: In summary, the available evidence is currently insufficient to determine the role of this variant in disease. Therefore, it has been classified as a Variant of Uncertain Significance. Advanced modeling of protein sequence and biophysical properties (such as structural, functional, and spatial information, amino acid conservation, physicochemical variation, residue mobility, and thermodynamic stability) has been performed at Invitae for this missense variant, however the output from this modeling did not meet the statistical confidence thresholds required to predict the impact of this variant on MET protein function. This variant has not been reported in the literature in individuals affected with MET-related conditions. This variant is not present in population databases (gnomAD no frequency). This sequence change replaces valine, which is neutral and non-polar, with alanine, which is neutral and non-polar, at codon 744 of the MET protein (p.Val744Ala).